The following is an entry in ClinVar:

ClinVar aggregate classification (germline): Uncertain significance (1 of 4 stars; one submission).

Submission:

Labcorp Genetics (formerly Invitae), Labcorp
Classification: Uncertain significance. Last evaluated: 2024-11-13. Review status: criteria provided, single submitter. Criteria: Invitae Variant Classification Sherloc (09022015). Collection method: clinical testing. Allele origin: germline.
Comment: This sequence change replaces glutamic acid, which is acidic and polar, with aspartic acid, which is acidic and polar, at codon 58 of the HOXB13 protein (p.Glu58Asp). This variant is not present in population databases (gnomAD no frequency). This variant has not been reported in the literature in individuals affected with HOXB13-related conditions. An algorithm developed to predict the effect of missense changes on protein structure and function (PolyPhen-2) suggests that this variant is likely to be tolerated. In summary, the available evidence is currently insufficient to determine the role of this variant in disease. Therefore, it has been classified as a Variant of Uncertain Significance.

NM_006361.6(HOXB13):c.174G>C (p.Glu58Asp)

Gene: HOXB13 (homeobox B13; minus strand). Cytogenetic location: 17q21.32.
Variant type: single nucleotide variant.
Coding change: c.174G>C on transcript NM_006361.6 (MANE Select); coding-DNA position 174, G replaced by C.
Protein change: p.Glu58Asp; replaces glutamic acid 58 with aspartic acid.
Molecular consequence: missense variant.
Genome position (GRCh38, 1-based): chr17:48,728,420, C>G on the plus strand (G>C on the coding strand, the complement: HOXB13 is on the minus strand). VCF-style: chr17-48728420-C-G. GRCh37 (hg19) VCF-style: chr17-46805782-C-G.
Other names: short protein forms E58D.
Identifiers: ClinVar variation 3725161 (VCV003725161.2).
Genomic context (GRCh38, chr17:48,728,420, plus strand): 5'-CACGGGAGCTGGGGACGTCCCCTGGGGCACCCCAGGGCATGGGTGGCATTGCTTTGGCGG[C>G]TCCGCCGAGCCTGGCAGATCCAAGGGGGCATAGTTGACAGCAGGCATCAGCGTAGGCGCC-3'
Protein context (NP_006352.2, residues 48-68): YAPLDLPGSA[Glu58Asp]PPKQCHPCPG